The following is an entry in ClinVar:

NM_025114.4(CEP290):c.1554T>A (p.Thr518=)

Gene: CEP290 (centrosomal protein 290; minus strand). Cytogenetic location: 12q21.32.
Variant type: single nucleotide variant.
Coding change: c.1554T>A on transcript NM_025114.4 (MANE Select); coding-DNA position 1554, T replaced by A.
Protein change: p.Thr518=; no amino-acid change (threonine 518 retained).
Molecular consequence: synonymous variant.
Genome position (GRCh38, 1-based): chr12:88,118,712, A>T on the plus strand (T>A on the coding strand, the complement: CEP290 is on the minus strand). VCF-style: chr12-88118712-A-T. GRCh37 (hg19) VCF-style: chr12-88512489-A-T.
Other names: c.1554T>A (NM_025114.3).
Identifiers: ClinVar variation 2439907 (VCV002439907.5), dbSNP rs767529344, ClinGen allele CA6712525.
Genomic context (GRCh38, chr12:88,118,712, plus strand): 5'-AAGAATCTGGTTTTCAGCTCTGTACTGCTGCTGTTTTAAGTGTTTGCTATTTCTAAATTC[A>T]GTTAAATCAATCATTGTCTTTGGTTCAAGGCCTACAATAGAAAGCAATATAATTAAAAAC-3'
Protein context (NP_079390.3, residues 508-528): GLEPKTMIDL[Thr518=]EFRNSKHLKQ

ClinVar aggregate classification (germline): Uncertain significance. Review status: criteria provided, single submitter (1 of 4 stars). 2 submissions from 2 submitters: Uncertain significance (1). 1 of the submissions does not count toward it. Last evaluated 2021-12-01.

Conditions:
CEP290-related disorder. Also called: CEP290-related disorders; CEP290-related condition. Identifiers: MedGen CN239314.

Allele frequency attached by ClinVar (database versions not stated): gnomAD exomes below 0.00001; ExAC 0.00001; gnomAD 0.00001; TOPMed 0.00001.
gnomAD v4.1: 2 of 1,612,608 alleles (0.00012%); highest among the groups gnomAD compares: Non-Finnish European, 0.00017%; no homozygotes.

Submissions (2):

Revvity Omics, Revvity
Classification: Uncertain significance. Last evaluated: 2021-12-01. Review status: criteria provided, single submitter. Criteria: ACMG Guidelines, 2015. Collection method: clinical testing. Allele origin: germline.

PreventionGenetics, part of Exact Sciences
Classification: Likely benign for CEP290-related condition. Last evaluated: 2023-10-20. Review status: no assertion criteria provided. Collection method: clinical testing. Allele origin: germline. Not counted in ClinVar's aggregate classification.
Comment: This variant is classified as likely benign based on ACMG/AMP sequence variant interpretation guidelines (Richards et al. 2015 PMID: 25741868, with internal and published modifications).